The following is an entry in ClinVar:

ClinVar aggregate classification (germline): Uncertain significance (1 of 4 stars; one submission).

Conditions:
Cardiac malformation, cleft lip/palate, microcephaly, and digital anomalies. Also called: CLEFT PALATE, CARDIAC DEFECTS, AND IMPAIRED INTELLECTUAL DEVELOPMENT. Identifiers: MedGen C1832950, MONDO:0010970, OMIM 600987.

Submission:

Dasa
Classification: Uncertain significance for Cardiac malformation, cleft lip/palate, microcephaly, and digital anomalies. Last evaluated: 2025-05-26. Review status: criteria provided, single submitter. Criteria: DASA Assertion Criteria. Collection method: clinical testing. Allele origin: germline.
Comment: NM_002399.4(MEIS2):c.1127G>T (p.Gly376Val) is a missense variant that results in the substitution of glycine with valine. This variant is absent from population databases. The currently available literature and clinical evidence are not sufficient to establish a definitive association between this variant and the reported condition. Therefore, this variant is classified as a variant of uncertain significance.

NM_170675.5(MEIS2):c.1147+378G>T

Gene: MEIS2 (Meis homeobox 2; minus strand). Cytogenetic location: 15q14.
Variant type: single nucleotide variant.
Coding change: c.1147+378G>T on transcript NM_170675.5 (MANE Select); 378 bases into the intron after coding-DNA position 1147, G replaced by T.
Molecular consequence: intron variant. On other transcripts: missense variant (5), non-coding transcript variant (1).
Genome position (GRCh38, 1-based): chr15:36,894,773, C>A on the plus strand (G>T on the coding strand, the complement: MEIS2 is on the minus strand). VCF-style: chr15-36894773-C-A. GRCh37 (hg19) VCF-style: chr15-37186974-C-A.
Other names: c.1127G>T, p.Gly376Val (NM_002399.4); c.1166G>T, p.Gly389Val (NM_170674.5); c.1187G>T, p.Gly396Val (NM_170677.5); c.1148G>T, p.Gly383Val (NM_172315.3); c.902G>T, p.Gly301Val (NM_172316.3); c.1126+378G>T (NM_001220482.2, NM_170676.5); short protein forms G301V, G376V, G383V, G389V, G396V.
Identifiers: ClinVar variation 4883049 (VCV004883049.2).